The following is an entry in ClinVar:

ClinVar aggregate classification (germline): Likely pathogenic (1 of 4 stars; one submission).

Conditions:
Combined oxidative phosphorylation defect type 7. Identifiers: Orphanet 254930, MedGen C3150801, MONDO:0013306, OMIM 613559.

Submission:

Molecular Diagnostics Laboratory, M Health Fairview: University of Minnesota
Classification: Likely pathogenic for Combined oxidative phosphorylation defect type 7. Last evaluated: 2026-06-01. Review status: criteria provided, single submitter. Criteria: ACMG Guidelines, 2015. Collection method: clinical testing. Allele origin: germline. Affected: yes.
Comment: The c.264dup (p.Ser89Leufs*14) variant in C12orf65 (MTRFR) is a frameshift variant that is predicted to introduce a premature stop codon in exon 2 of 3. While this may not result in nonsense mediated decay, this variant is predicted to remove impact more than 50% of the coding bases and other downstream truncating variants are classified as pathogenic or likely pathogenic in the ClinVar database. This variant is absent from the gnomAD v4.1 control database. Based upon the available information, this variant is classified as likely pathogenic.

NM_152269.5(MTRFR):c.264dup (p.Ser89fs)

Gene: MTRFR (mitochondrial translation release factor in rescue; plus strand). Cytogenetic location: 12q24.31.
Variant type: Duplication.
Coding change: c.264dup on transcript NM_152269.5 (MANE Select); coding-DNA position 264, one base duplicated (C; older notation c.264dupC).
Protein change: p.Ser89fs; shifts the reading frame from serine 89.
Molecular consequence: frameshift variant.
Genome position (GRCh38, 1-based): chr12:123,253,938, C duplicated; the last of 4 consecutive C bases (chr12:123,253,935-123,253,938); duplicating any one gives the same sequence. VCF-style (leftmost placement, unchanged base first): chr12-123253934-T-TC. GRCh37 (hg19) VCF-style: chr12-123738481-T-TC.
Other names: c.264dup, p.Ser89fs (NM_001143905.2, NM_001194995.1); short protein forms S89fs.
Identifiers: ClinVar variation 4974959 (VCV004974959.1).